The following is an entry in ClinVar:

NM_001939.3(DRP2):c.1994A>G (p.Asn665Ser)

Gene: DRP2 (dystrophin related protein 2; plus strand). Cytogenetic location: Xq22.1.
Variant type: single nucleotide variant.
Coding change: c.1994A>G on transcript NM_001939.3 (MANE Select); coding-DNA position 1994, A replaced by G.
Protein change: p.Asn665Ser; replaces asparagine 665 with serine.
Molecular consequence: missense variant.
Genome position (GRCh38, 1-based): chrX:101,254,441, A>G. VCF-style: chrX-101254441-A-G. GRCh37 (hg19) VCF-style: chrX-100509430-A-G.
Other names: c.1760A>G, p.Asn587Ser (NM_001171184.2); c.1994A>G (NM_001939.2); short protein forms N665S, N587S.
Identifiers: ClinVar variation 3005830 (VCV003005830.4), dbSNP rs760968612, ClinGen allele CA10472388.
Genomic context (GRCh38, chrX:101,254,441, plus strand): 5'-TGGAAGCCATTAGGGTAAGTTCCTCTGCCCTGTCTCCTCCTCAGACCACATCCAGTGAGA[A>G]CATGAGGGACTTTGCCACAACCTTAAAGAACAAATTCCGCTCCAAGCATTATTTCAGCAA-3'
Protein context (NP_001930.2, residues 655-675): EYYTPTTSSE[Asn665Ser]MRDFATTLKN

ClinVar aggregate classification (germline): Uncertain significance. Review status: criteria provided, multiple submitters, no conflicts (2 of 4 stars). 2 submissions from 2 submitters: Uncertain significance (2). Last evaluated 2025-12-01.

Allele frequency attached by ClinVar (database versions not stated): gnomAD exomes 0.00002; ExAC 0.00002; gnomAD 0.00001; TOPMed 0.00003.

Submissions (2):

Labcorp Genetics (formerly Invitae), Labcorp
Classification: Uncertain significance. Last evaluated: 2025-12-01. Review status: criteria provided, single submitter. Criteria: Invitae Variant Classification Sherloc (09022015). Collection method: clinical testing. Allele origin: germline.
Comment: This sequence change replaces asparagine, which is neutral and polar, with serine, which is neutral and polar, at codon 665 of the DRP2 protein (p.Asn665Ser). This variant is present in population databases (rs760968612, gnomAD 0.01%). This variant has not been reported in the literature in individuals affected with DRP2-related conditions. ClinVar contains an entry for this variant (Variation ID: 3005830). Invitae Evidence Modeling of protein sequence and biophysical properties (such as structural, functional, and spatial information, amino acid conservation, physicochemical variation, residue mobility, and thermodynamic stability) has been performed for this missense variant. However, the output from this modeling did not meet the statistical confidence thresholds required to predict the impact of this variant on DRP2 protein function. In summary, the available evidence is currently insufficient to determine the role of this variant in disease. Therefore, it has been classified as a Variant of Uncertain Significance.

Ambry Genetics
Classification: Uncertain significance. Last evaluated: 2025-04-08. Review status: criteria provided, single submitter. Criteria: Ambry Variant Classification Scheme 2023. Collection method: clinical testing. Allele origin: germline.